The following is an entry in ClinVar:

ClinVar aggregate classification (germline): Uncertain significance (1 of 4 stars; one submission).

Allele frequency attached by ClinVar (database versions not stated): gnomAD 0.00001; gnomAD exomes 0.00001; TOPMed 0.00001.
gnomAD v4.1: 17 of 1,613,658 alleles (0.0011%); highest among the groups gnomAD compares: Non-Finnish European, 0.0014%; no homozygotes.

Submission:

Labcorp Genetics (formerly Invitae), Labcorp
Classification: Uncertain significance. Last evaluated: 2023-04-20. Review status: criteria provided, single submitter. Criteria: Invitae Variant Classification Sherloc (09022015). Collection method: clinical testing. Allele origin: germline.
Comment: This sequence change replaces serine, which is neutral and polar, with proline, which is neutral and non-polar, at codon 16 of the PIGY protein (p.Ser16Pro). An algorithm developed to predict the effect of missense changes on protein structure and function (PolyPhen-2) suggests that this variant is likely to be tolerated. This variant has not been reported in the literature in individuals affected with PIGY-related conditions. This variant is not present in population databases (gnomAD no frequency). In summary, the available evidence is currently insufficient to determine the role of this variant in disease. Therefore, it has been classified as a Variant of Uncertain Significance.

NM_001042616.3(PIGY):c.46T>C (p.Ser16Pro)

Genes: PIGY (phosphatidylinositol glycan anchor biosynthesis class Y; minus strand), PYURF (PIGY upstream open reading frame; minus strand). Cytogenetic location: 4q22.1.
Variant type: single nucleotide variant.
Coding change: c.46T>C on transcript NM_001042616.3 (MANE Select); coding-DNA position 46, T replaced by C.
Protein change: p.Ser16Pro; replaces serine 16 with proline.
Molecular consequence: missense variant. On other transcripts: 3 prime UTR variant (1).
Genome position (GRCh38, 1-based): chr4:88,521,744, A>G on the plus strand (T>C on the coding strand, the complement: PIGY is on the minus strand). VCF-style: chr4-88521744-A-G. GRCh37 (hg19) VCF-style: chr4-89442895-A-G.
Other names: c.*144T>C (NM_032906.5); short protein forms S16P.
Identifiers: ClinVar variation 2725042 (VCV002725042.3), dbSNP rs1348048998, ClinGen allele CA357641502.